The following is an entry in ClinVar:

ClinVar aggregate classification (germline): Pathogenic/Likely pathogenic. Review status: criteria provided, multiple submitters, no conflicts (2 of 4 stars). 2 submissions from 2 submitters: Pathogenic (1); Likely pathogenic (1). Last evaluated 2022-06-17.

Conditions:
Tyrosinemia type I (TYRSN1). Also called: FAH DEFICIENCY; Tyrosinemia type 1; Fumarylacetoacetase deficiency; Deficiency of fumarylacetoacetase; HEPATORENAL TYROSINEMIA. Identifiers: Orphanet 882, MedGen C0268490, MONDO:0010161, OMIM 276700. Disease mechanism: loss of function.

Submissions (2):

Baylor Genetics
Classification: Likely pathogenic for Tyrosinemia type I. Last evaluated: 2022-06-17. Review status: criteria provided, single submitter. Criteria: ACMG Guidelines, 2015. Collection method: clinical testing. Allele origin: unknown.

Labcorp Genetics (formerly Invitae), Labcorp
Classification: Pathogenic for Tyrosinemia type I. Last evaluated: 2022-02-04. Review status: criteria provided, single submitter. Criteria: Invitae Variant Classification Sherloc (09022015). Collection method: clinical testing. Allele origin: germline.
Comment: For these reasons, this variant has been classified as Pathogenic. Algorithms developed to predict the effect of sequence changes on RNA splicing suggest that this variant may create or strengthen a splice site. This variant has not been reported in the literature in individuals affected with FAH-related conditions. This variant is not present in population databases (gnomAD no frequency). This sequence change creates a premature translational stop signal (p.Pro28Glnfs*75) in the FAH gene. It is expected to result in an absent or disrupted protein product. Loss-of-function variants in FAH are known to be pathogenic (PMID: 9101289, 9633815).

Literature cited by the submitters: PubMed 9101289 (cited by Labcorp Genetics (formerly Invitae), Labcorp); PubMed 9633815 (cited by Labcorp Genetics (formerly Invitae), Labcorp).

NM_000137.4(FAH):c.72_81dup (p.Pro28fs)

Gene: FAH (fumarylacetoacetate hydrolase; plus strand). Cytogenetic location: 15q25.1.
Variant type: Duplication.
Coding change: c.72_81dup on transcript NM_000137.4 (MANE Select); coding-DNA positions 72 to 81, 10 bases duplicated (CAGAGGCGAC; older notation c.72_81dupCAGAGGCGAC).
Protein change: p.Pro28fs; shifts the reading frame from proline 28.
Molecular consequence: frameshift variant.
Genome position (GRCh38, 1-based): chr15:80,153,126-80,153,135, CAGAGGCGAC duplicated; duplicating any 10 consecutive bases within chr15:80,153,122-80,153,135 gives the same sequence; the c. name uses the placement nearest the transcript's 3' end. VCF-style (leftmost placement, unchanged base first): chr15-80153121-T-TCGACCAGAGG. GRCh37 (hg19) VCF-style: chr15-80445463-T-TCGACCAGAGG.
Other names: c.72_81dup, p.Pro28fs (NM_001374377.1, NM_001374380.1); short protein forms P28fs.
Identifiers: ClinVar variation 1928518 (VCV001928518.6), dbSNP rs2505834859, ClinGen allele CA2580090062.
Genomic context (GRCh38, chr15:80,153,121, plus strand): 5'-TTCATCCCGGTGGCCGAGGATTCCGACTTCCCCATCCACAACCTGCCCTACGGCGTCTTC[T>TCGACCAGAGG]CGACCAGAGGCGACGTGAGCAGTGGGGCTTTGGCGTCCGGGCGCGGGGAGGGAGTGGAGT-3'